The following is an entry in ClinVar:

ClinVar aggregate classification (germline): Pathogenic (1 of 4 stars; one submission).

Conditions:
TTN-related disorder. Also called: TTN-related condition; TTN-related disease; TTN-related disorders.

Submission:

Rady Children's Institute for Genomic Medicine, Rady Children's Hospital San Diego
Classification: Pathogenic for TTN-Related Disorders. Last evaluated: 2024-01-09. Review status: criteria provided, single submitter. Criteria: ACMG Guidelines, 2015. Collection method: clinical testing. Allele origin: germline. Affected: yes.
Comment: This frameshifting variant in exon 326 of 363 is predicted to result in loss of normal protein function through either protein truncation or nonsense-mediated mRNA decay. Loss-of-function variation in TTN is an established mechanism of disease (PMID: 22335739). This variant occurs in the A-band of the titin protein, a region enriched for pathogenic truncating variants associated with dilated cardiomyopathy (PMID: 22335739, 31849696, 25589632). This variant has not been previously reported or functionally characterized in the literature to our knowledge. The c.80931del (p.Gly26978AlafsTer13) variant is absent from the gnomAD v4 population database and thus is presumed to be rare. Analysis of the parental samples was negative for the variant, indicating this variant likely occurred as a de novo event. Based on the available evidence, c.80931del (p.Gly26978AlafsTer13) is classified as Pathogenic.

NM_001267550.2(TTN):c.80931del (p.Gly26978fs)

Genes: TTN (titin; minus strand), TTN-AS1 (TTN antisense RNA 1; plus strand). Cytogenetic location: 2q31.2.
Variant type: Deletion.
Coding change: c.80931del on transcript NM_001267550.2 (MANE Select); coding-DNA position 80931, one base deleted (T; older notation c.80931delT).
Protein change: p.Gly26978fs; shifts the reading frame from glycine 26978.
Molecular consequence: frameshift variant.
Genome position (GRCh38, 1-based): chr2:178,565,201, A deleted on the plus strand (T on the coding strand, the reverse complement: TTN is on the minus strand); the first of 2 consecutive A bases (chr2:178,565,201-178,565,202); deleting either gives the same sequence. VCF-style (leftmost placement, unchanged base first): chr2-178565200-CA-C. GRCh37 (hg19) VCF-style: chr2-179429927-CA-C.
Other names: c.76008del, p.Gly25337fs (NM_001256850.1); c.53736del, p.Gly17913fs (NM_003319.4); c.73227del, p.Gly24410fs (NM_133378.4); c.54111del, p.Gly18038fs (NM_133432.3); c.54312del, p.Gly18105fs (NM_133437.4); short protein forms G17913fs, G18038fs, G18105fs, G24410fs, G25337fs, G26978fs.
Identifiers: ClinVar variation 3773869 (VCV003773869.1).